The following is an entry in ClinVar:

ClinVar aggregate classification (germline): Conflicting classifications of pathogenicity. Review status: criteria provided, conflicting classifications (1 of 4 stars). 3 submissions from 3 submitters: Uncertain significance (2); Likely benign (1). Last evaluated 2024-12-14.

Conditions:
Ataxia-telangiectasia syndrome (AT). Also called: Ataxia-telangiectasia, complementation group E; Cerebello-oculocutaneous telangiectasia; Immunodeficiency with ataxia telangiectasia; Ataxia-telangiectasia, complementation group D; AT, COMPLEMENTATION GROUP C; Ataxia-telangiectasia. Identifiers: Orphanet 100, MedGen C0004135, MONDO:0008840, OMIM 208900.
Hereditary cancer-predisposing syndrome. Also called: Neoplastic Syndromes, Hereditary; Hereditary Cancer Syndrome; Hereditary neoplastic syndrome; Tumor predisposition. Identifiers: Orphanet 140162, MedGen C0027672, MeSH D009386, MONDO:0015356.

Submissions (3):

Labcorp Genetics (formerly Invitae), Labcorp
Classification: Uncertain significance for Ataxia-telangiectasia syndrome. Last evaluated: 2024-12-14. Review status: criteria provided, single submitter. Criteria: Invitae Variant Classification Sherloc (09022015). Collection method: clinical testing. Allele origin: germline.
Comment: This sequence change replaces asparagine, which is neutral and polar, with histidine, which is basic and polar, at codon 471 of the ATM protein (p.Asn471His). This variant is not present in population databases (gnomAD no frequency). This variant has not been reported in the literature in individuals affected with ATM-related conditions. ClinVar contains an entry for this variant (Variation ID: 849516). Invitae Evidence Modeling of protein sequence and biophysical properties (such as structural, functional, and spatial information, amino acid conservation, physicochemical variation, residue mobility, and thermodynamic stability) indicates that this missense variant is not expected to disrupt ATM protein function with a negative predictive value of 95%. In summary, the available evidence is currently insufficient to determine the role of this variant in disease. Therefore, it has been classified as a Variant of Uncertain Significance.

Ambry Genetics
Classification: Likely benign for Hereditary cancer-predisposing syndrome. Last evaluated: 2024-07-01. Review status: criteria provided, single submitter. Criteria: Ambry Variant Classification Scheme 2023. Collection method: clinical testing. Allele origin: germline.

Color Diagnostics, LLC DBA Color Health
Classification: Uncertain significance for Hereditary cancer-predisposing syndrome. Last evaluated: 2024-03-06. Review status: criteria provided, single submitter. Criteria: ACMG Guidelines, 2015. Collection method: clinical testing. Allele origin: germline.
Comment: This missense variant replaces asparagine with histidine at codon 471 of the ATM protein. Computational prediction suggests that this variant may not impact protein structure and function (internally defined REVEL score threshold <= 0.5, PMID: 27666373). To our knowledge, functional studies have not been reported for this variant. This variant has not been reported in individuals affected with hereditary cancer in the literature. This variant has not been identified in the general population by the Genome Aggregation Database (gnomAD). The available evidence is insufficient to determine the role of this variant in disease conclusively. Therefore, this variant is classified as a Variant of Uncertain Significance.

NM_000051.4(ATM):c.1411A>C (p.Asn471His)

Gene: ATM (ATM serine/threonine kinase; plus strand). Cytogenetic location: 11q22.3.
Variant type: single nucleotide variant.
Coding change: c.1411A>C on transcript NM_000051.4 (MANE Select); coding-DNA position 1411, A replaced by C.
Protein change: p.Asn471His; replaces asparagine 471 with histidine.
Molecular consequence: missense variant.
Genome position (GRCh38, 1-based): chr11:108,250,876, A>C. VCF-style: chr11-108250876-A-C. GRCh37 (hg19) VCF-style: chr11-108121603-A-C.
Other names: c.1411A>C, p.Asn471His (NM_001351834.2); short protein forms N471H.
Identifiers: ClinVar variation 849516 (VCV000849516.17), dbSNP rs2080104786, ClinGen allele CA382533967.
Genomic context (GRCh38, chr11:108,250,876, plus strand): 5'-CGTACACCATATGTGTTACGATGCCTTACGGAAGTTGCATTGTGTCAAGACAAGAGGTCA[A>C]ACCTAGAAAGCTCACAAAAGTCAGATTTATTAAAACTCTGGAATAAAATTTGGTGTATTA-3'
Protein context (NP_000042.3, residues 461-481): EVALCQDKRS[Asn471His]LESSQKSDLL